The following is an entry in ClinVar:

NM_001286577.2(C2CD3):c.3550A>C (p.Ser1184Arg)

Gene: C2CD3 (C2 domain containing 3 centriole elongation regulator; minus strand). Cytogenetic location: 11q13.4.
Variant type: single nucleotide variant.
Coding change: c.3550A>C on transcript NM_001286577.2 (MANE Select); coding-DNA position 3550, A replaced by C.
Protein change: p.Ser1184Arg; replaces serine 1184 with arginine.
Molecular consequence: missense variant.
Genome position (GRCh38, 1-based): chr11:74,090,904, T>G on the plus strand (A>C on the coding strand, the complement: C2CD3 is on the minus strand). VCF-style: chr11-74090904-T-G. GRCh37 (hg19) VCF-style: chr11-73801949-T-G.
Other names: c.3550A>C, p.Ser1184Arg (NM_015531.6); short protein forms S1184R.
Identifiers: ClinVar variation 1503174 (VCV001503174.8), dbSNP rs1230173012, ClinGen allele CA381823380.

ClinVar aggregate classification (germline): Uncertain significance (1 of 4 stars; one submission).

Allele frequency attached by ClinVar (database versions not stated): gnomAD exomes 0.00001; TOPMed 0.00001.
gnomAD v4.1: 6 of 1,614,120 alleles (0.00037%); highest among the groups gnomAD compares: East Asian, 0.013%; no homozygotes.

Submission:

Labcorp Genetics (formerly Invitae), Labcorp
Classification: Uncertain significance. Last evaluated: 2021-07-27. Review status: criteria provided, single submitter. Criteria: Invitae Variant Classification Sherloc (09022015). Collection method: clinical testing. Allele origin: germline.
Comment: In summary, the available evidence is currently insufficient to determine the role of this variant in disease. Therefore, it has been classified as a Variant of Uncertain Significance. Algorithms developed to predict the effect of missense changes on protein structure and function are either unavailable or do not agree on the potential impact of this missense change (SIFT: "Tolerated"; PolyPhen-2: "Possibly Damaging"; Align-GVGD: "Class C0"). This variant has not been reported in the literature in individuals with C2CD3-related conditions. This variant is not present in population databases (ExAC no frequency). This sequence change replaces serine with arginine at codon 1184 of the C2CD3 protein (p.Ser1184Arg). The serine residue is moderately conserved and there is a moderate physicochemical difference between serine and arginine.